The following is an entry in ClinVar:

NM_174936.4(PCSK9):c.75C>T (p.Pro25=)

Gene: PCSK9 (proprotein convertase subtilisin/kexin type 9; plus strand). Cytogenetic location: 1p32.3.
Variant type: single nucleotide variant.
Coding change: c.75C>T on transcript NM_174936.4 (MANE Select); coding-DNA position 75, C replaced by T.
Protein change: p.Pro25=; no amino-acid change (proline 25 retained).
Molecular consequence: synonymous variant. On other transcripts: non-coding transcript variant (8), 5 prime UTR variant (1).
Genome position (GRCh38, 1-based): chr1:55,039,912, C>T. VCF-style: chr1-55039912-C-T. GRCh37 (hg19) VCF-style: chr1-55505585-C-T.
Other names: c.75C>T, p.Pro25= (NM_001407240.1, NM_001407241.1, NM_001407242.1 and 4 more transcripts); c.-660C>T (NM_001407246.1).
Identifiers: ClinVar variation 2726559 (VCV002726559.6), dbSNP rs376819769, ClinGen allele CA044370.

ClinVar aggregate classification (germline): Likely benign. Review status: criteria provided, multiple submitters, no conflicts (2 of 4 stars). 4 submissions from 4 submitters: Likely benign (4). Last evaluated 2026-09-01.

Conditions:
Hypercholesterolemia, autosomal dominant, 3 (FHCL3). Also called: PCSK9-Related Familial Hypercholesterolemia, Autosomal Dominant; Familial Hypercholesterolemia, Autosomal Dominant, 3; Familial hypercholesterolemia 3. Identifiers: MedGen C1863551, MONDO:0011369, OMIM 603776.
Cardiovascular phenotype. Identifiers: MedGen CN230736.
Familial hypercholesterolemia. Also called: Familial hypercholesterolaemia; Familial hypercholesterolemias. Identifiers: MedGen C0020445, MONDO:0005439.

Allele frequency attached by ClinVar (database versions not stated): gnomAD 0.00001; gnomAD exomes 0.00001; TOPMed 0.00002; ExAC 0.00004; ESP Exome Variant Server 0.00008.
gnomAD v4.1: 11 of 1,565,908 alleles (0.0007%); highest among the groups gnomAD compares: African/African-American, 0.0095%; no homozygotes.

Submissions (4):

CeGaT Center for Human Genetics Tuebingen
Classification: Likely benign. Last evaluated: 2026-09-01. Review status: criteria provided, single submitter. Criteria: CeGaT Center For Human Genetics Tuebingen Variant Classification Criteria Version 2. Collection method: clinical testing. Allele origin: germline. Affected: yes. Observed: 1 variant allele.
Comment: PCSK9: BP4, BP7

Labcorp Genetics (formerly Invitae), Labcorp
Classification: Likely benign for Hypercholesterolemia, autosomal dominant, 3. Last evaluated: 2025-08-05. Review status: criteria provided, single submitter. Criteria: Invitae Variant Classification Sherloc (09022015). Collection method: clinical testing. Allele origin: germline.

Ambry Genetics
Classification: Likely benign for Cardiovascular phenotype. Last evaluated: 2025-02-10. Review status: criteria provided, single submitter. Criteria: Ambry Variant Classification Scheme 2023. Collection method: clinical testing. Allele origin: germline.

Color Diagnostics, LLC DBA Color Health
Classification: Likely benign for Familial hypercholesterolemia. Last evaluated: 2023-03-22. Review status: criteria provided, single submitter. Criteria: ACMG Guidelines, 2015. Collection method: clinical testing. Allele origin: germline.